The following is an entry in ClinVar:

NM_001378454.1(ALMS1):c.387A>C (p.Gln129His)

Gene: ALMS1 (ALMS1 centrosome and basal body associated protein; plus strand). Cytogenetic location: 2p13.1.
Variant type: single nucleotide variant.
Coding change: c.387A>C on transcript NM_001378454.1 (MANE Select); coding-DNA position 387, A replaced by C.
Protein change: p.Gln129His; replaces glutamine 129 with histidine.
Molecular consequence: missense variant.
Genome position (GRCh38, 1-based): chr2:73,408,684, A>C. VCF-style: chr2-73408684-A-C. GRCh37 (hg19) VCF-style: chr2-73635812-A-C.
Other names: c.390A>C, p.Gln130His (NM_015120.4); short protein forms Q129H, Q130H.
Identifiers: ClinVar variation 2197121 (VCV002197121.2), dbSNP rs746391155, ClinGen allele CA1712824.
Genomic context (GRCh38, chr2:73,408,684, plus strand): 5'-TGTTCCATTGACCTGTCATGTATGGCAACAGATAGTATATCAAGGCAATAGTAGAACACA[A>C]ATTTCTGATACTAATGTGGTCTGTTTGGAAACAACAGCTCAGCGGGGTTCTGGGGATGAT-3'
Protein context (NP_001365383.1, residues 119-139): QIVYQGNSRT[Gln129His]ISDTNVVCLE

ClinVar aggregate classification (germline): Uncertain significance. Review status: criteria provided, multiple submitters, no conflicts (2 of 4 stars). 2 submissions from 2 submitters: Uncertain significance (2). Last evaluated 2025-01-27.

Conditions:
Alstrom syndrome (ALMS). Identifiers: Orphanet 64, MedGen C0268425, MONDO:0008763, OMIM 203800.

Allele frequency attached by ClinVar (database versions not stated): TOPMed below 0.00001; ExAC 0.00001.
gnomAD v4.1: 4 of 1,613,730 alleles (0.00025%); highest among the groups gnomAD compares: Non-Finnish European, 0.00025%; no homozygotes.

Submissions (2):

GeneDx
Classification: Uncertain significance. Last evaluated: 2025-01-27. Review status: criteria provided, single submitter. Criteria: GeneDx Variant Classification Process June 2021. Collection method: clinical testing. Allele origin: germline. Affected: yes.
Comment: Not observed at significant frequency in large population cohorts (gnomAD); In silico analysis indicates that this missense variant does not alter protein structure/function; Has not been previously published as pathogenic or benign to our knowledge

Labcorp Genetics (formerly Invitae), Labcorp
Classification: Uncertain significance for Alstrom syndrome. Last evaluated: 2022-08-19. Review status: criteria provided, single submitter. Criteria: Invitae Variant Classification Sherloc (09022015). Collection method: clinical testing. Allele origin: germline.
Comment: This sequence change replaces glutamine, which is neutral and polar, with histidine, which is basic and polar, at codon 130 of the ALMS1 protein (p.Gln130His). This variant is present in population databases (rs746391155, gnomAD 0.0009%). This variant has not been reported in the literature in individuals affected with ALMS1-related conditions. Experimental studies and prediction algorithms are not available or were not evaluated, and the functional significance of this variant is currently unknown. In summary, the available evidence is currently insufficient to determine the role of this variant in disease. Therefore, it has been classified as a Variant of Uncertain Significance.